The following is an entry in ClinVar:

ClinVar aggregate classification (germline): Uncertain significance (1 of 4 stars; one submission).

Conditions:
Brown-Vialetto-van Laere syndrome 2. Also called: Riboflavin transporter deficiency type 2; SPINOCEREBELLAR ATAXIA WITH BLINDNESS AND DEAFNESS 2. Identifiers: Orphanet 572543, Orphanet 97229, MedGen C3553538, MONDO:0013867, OMIM 614707.

Submission:

Labcorp Genetics (formerly Invitae), Labcorp
Classification: Uncertain significance for Brown-Vialetto-van Laere syndrome 2. Last evaluated: 2018-06-20. Review status: criteria provided, single submitter. Criteria: Invitae Variant Classification Sherloc (09022015). Collection method: clinical testing. Allele origin: germline.
Comment: This sequence change replaces serine with tyrosine at codon 23 of the SLC52A2 protein (p.Ser23Tyr). The serine residue is highly conserved and there is a large physicochemical difference between serine and tyrosine. This variant is not present in population databases (ExAC no frequency). This variant has not been reported in the literature in individuals with SLC52A2-related disease. Algorithms developed to predict the effect of missense changes on protein structure and function (SIFT, PolyPhen-2, Align-GVGD) all suggest that this variant is likely to be disruptive, but these predictions have not been confirmed by published functional studies and their clinical significance is uncertain. In summary, the available evidence is currently insufficient to determine the role of this variant in disease. Therefore, it has been classified as a Variant of Uncertain Significance.

NM_001363118.2(SLC52A2):c.68C>A (p.Ser23Tyr)

Gene: SLC52A2 (solute carrier family 52 member 2; plus strand). Cytogenetic location: 8q24.3.
Variant type: single nucleotide variant.
Coding change: c.68C>A on transcript NM_001363118.2 (MANE Select); coding-DNA position 68, C replaced by A.
Protein change: p.Ser23Tyr; replaces serine 23 with tyrosine.
Molecular consequence: missense variant.
Genome position (GRCh38, 1-based): chr8:144,359,361, C>A. VCF-style: chr8-144359361-C-A. GRCh37 (hg19) VCF-style: chr8-145583021-C-A.
Other names: c.68C>A, p.Ser23Tyr (NM_001253815.2, NM_001253816.2, NM_001363120.2 and 3 more transcripts); short protein forms S23Y.
Identifiers: ClinVar variation 568898 (VCV000568898.4), dbSNP rs1564653909, ClinGen allele CA372625737.